The following is an entry in ClinVar:

ClinVar aggregate classification (germline): Uncertain significance (1 of 4 stars; one submission).

Conditions:
Colorectal cancer, hereditary nonpolyposis, type 7. Identifiers: Orphanet 144, MedGen C1858380, MONDO:0013725, OMIM 614385.

Submission:

Labcorp Genetics (formerly Invitae), Labcorp
Classification: Uncertain significance for Colorectal cancer, hereditary nonpolyposis, type 7. Last evaluated: 2025-02-06. Review status: criteria provided, single submitter. Criteria: Invitae Variant Classification Sherloc (09022015). Collection method: clinical testing. Allele origin: germline.
Comment: This sequence change replaces lysine, which is basic and polar, with arginine, which is basic and polar, at codon 412 of the MLH3 protein (p.Lys412Arg). This variant is not present in population databases (gnomAD no frequency). This variant has not been reported in the literature in individuals affected with MLH3-related conditions. An algorithm developed to predict the effect of missense changes on protein structure and function (PolyPhen-2) suggests that this variant is likely to be tolerated. In summary, the available evidence is currently insufficient to determine the role of this variant in disease. Therefore, it has been classified as a Variant of Uncertain Significance.

NM_001040108.2(MLH3):c.1235A>G (p.Lys412Arg)

Gene: MLH3 (mutL homolog 3; minus strand). Cytogenetic location: 14q24.3.
Variant type: single nucleotide variant.
Coding change: c.1235A>G on transcript NM_001040108.2 (MANE Select); coding-DNA position 1235, A replaced by G.
Protein change: p.Lys412Arg; replaces lysine 412 with arginine.
Molecular consequence: missense variant.
Genome position (GRCh38, 1-based): chr14:75,048,421, T>C on the plus strand (A>G on the coding strand, the complement: MLH3 is on the minus strand). VCF-style: chr14-75048421-T-C. GRCh37 (hg19) VCF-style: chr14-75515124-T-C.
Other names: c.1235A>G, p.Lys412Arg (NM_014381.3); short protein forms K412R.
Identifiers: ClinVar variation 4804363 (VCV004804363.1).
Genomic context (GRCh38, chr14:75,048,421, plus strand): 5'-CTGGTAGCTTCTGAATCCCTAGAACTCTGTGTGTTTACGTTTTCTGCAGTAGTTTTTCTT[T>C]TCACAGCTTTTGACTGCAAATTAAACATCTCATAGGAATCTAAAATATTATTACATGCTT-3'
Protein context (NP_001035197.1, residues 402-422): EMFNLQSKAV[Lys412Arg]RKTTAENVNT